The following is an entry in ClinVar:

NM_001353108.3(CEP63):c.442-4_442-3del

Gene: CEP63 (centrosomal protein 63; plus strand). Cytogenetic location: 3q22.2.
Variant type: Deletion.
Coding change: c.442-4_442-3del on transcript NM_001353108.3 (MANE Select); 4 bases into the intron before coding-DNA position 442 through 3 bases into the intron before coding-DNA position 442, 2 bases deleted (TC; older notation c.442-4_442-3delTC).
Molecular consequence: intron variant.
Genome position (GRCh38, 1-based): chr3:134,537,151-134,537,152, TC deleted; deleting any 2 consecutive bases within chr3:134,537,150-134,537,152 gives the same sequence; the c. name uses the placement nearest the transcript's 3' end. VCF-style (leftmost placement, unchanged base first): chr3-134537149-CCT-C. GRCh37 (hg19) VCF-style: chr3-134255991-CCT-C.
Other names: c.442-4_442-3del (NM_001353113.1, NM_001042384.2, NM_001353122.1 and 13 more transcripts); c.469-4_469-3del (NM_001353118.1); c.79-4_79-3del (NM_001353126.2); c.358-4_358-3del (NM_001353125.2).
Identifiers: ClinVar variation 2816043 (VCV002816043.3), dbSNP rs2546848051, ClinGen allele CA2739279921.

ClinVar aggregate classification (germline): Uncertain significance (1 of 4 stars; one submission).

Submission:

Labcorp Genetics (formerly Invitae), Labcorp
Classification: Uncertain significance. Last evaluated: 2022-11-23. Review status: criteria provided, single submitter. Criteria: Invitae Variant Classification Sherloc (09022015). Collection method: clinical testing. Allele origin: germline.
Comment: This sequence change falls in intron 6 of the CEP63 gene. It does not directly change the encoded amino acid sequence of the CEP63 protein. This variant is not present in population databases (gnomAD no frequency). This variant has not been reported in the literature in individuals affected with CEP63-related conditions. Algorithms developed to predict the effect of sequence changes on RNA splicing suggest that this variant may disrupt the consensus splice site. In summary, the available evidence is currently insufficient to determine the role of this variant in disease. Therefore, it has been classified as a Variant of Uncertain Significance.